The following is an entry in ClinVar:

ClinVar aggregate classification (germline): Uncertain significance. Review status: criteria provided, multiple submitters, no conflicts (2 of 4 stars). 2 submissions from 2 submitters: Uncertain significance (2). Last evaluated 2023-06-22.

Conditions:
PPP3CA-related disorder. Also called: PPP3CA-related condition; PPP3CA-related disorders.

Allele frequency attached by ClinVar (database versions not stated): gnomAD exomes 0.00001.
gnomAD v4.1: 3 of 1,611,044 alleles (0.00019%); highest among the groups gnomAD compares: Non-Finnish European, 0.00025%; no homozygotes.

Submissions (2):

PreventionGenetics, part of Exact Sciences
Classification: Uncertain significance for PPP3CA-related condition. Last evaluated: 2023-06-22. Review status: criteria provided, single submitter. Criteria: ACMG Guidelines, 2015. Collection method: clinical testing. Allele origin: germline.
Comment: The PPP3CA c.5C>G variant is predicted to result in the amino acid substitution p.Ser2Cys. To our knowledge, this variant has not been reported in the literature. This variant is reported in 0.00096% of alleles in individuals of European (Non-Finnish) descent in gnomAD. At this time, the clinical significance of this variant is uncertain due to the absence of conclusive functional and genetic evidence.

Labcorp Genetics (formerly Invitae), Labcorp
Classification: Uncertain significance. Last evaluated: 2022-12-20. Review status: criteria provided, single submitter. Criteria: Invitae Variant Classification Sherloc (09022015). Collection method: clinical testing. Allele origin: germline.
Comment: In summary, the available evidence is currently insufficient to determine the role of this variant in disease. Therefore, it has been classified as a Variant of Uncertain Significance. This sequence change replaces serine, which is neutral and polar, with cysteine, which is neutral and slightly polar, at codon 2 of the PPP3CA protein (p.Ser2Cys). This variant is present in population databases (no rsID available, gnomAD 0.001%). This variant has not been reported in the literature in individuals affected with PPP3CA-related conditions. Algorithms developed to predict the effect of missense changes on protein structure and function are either unavailable or do not agree on the potential impact of this missense change (SIFT: "Deleterious"; PolyPhen-2: "Possibly Damaging"; Align-GVGD: "Class C0").

NM_000944.5(PPP3CA):c.5C>G (p.Ser2Cys)

Gene: PPP3CA (protein phosphatase 3 catalytic subunit alpha; minus strand). Cytogenetic location: 4q24.
Variant type: single nucleotide variant.
Coding change: c.5C>G on transcript NM_000944.5 (MANE Select); coding-DNA position 5, C replaced by G.
Protein change: p.Ser2Cys; replaces serine 2 with cysteine.
Molecular consequence: missense variant.
Genome position (GRCh38, 1-based): chr4:101,346,792, G>C on the plus strand (C>G on the coding strand, the complement: PPP3CA is on the minus strand). VCF-style: chr4-101346792-G-C. GRCh37 (hg19) VCF-style: chr4-102267949-G-C.
Other names: c.5C>G (NM_000944.4); c.5C>G, p.Ser2Cys (NM_001130691.2, NM_001130692.2); short protein forms S2C.
Identifiers: ClinVar variation 1952895 (VCV001952895.6), dbSNP rs1175599344, ClinGen allele CA357949688.